The following is an entry in ClinVar:

NM_006218.4(PIK3CA):c.1033A>T (p.Asn345Tyr)

Gene: PIK3CA (phosphatidylinositol-4,5-bisphosphate 3-kinase catalytic subunit alpha; plus strand). Cytogenetic location: 3q26.32.
Variant type: single nucleotide variant.
Coding change: c.1033A>T on transcript NM_006218.4 (MANE Select); coding-DNA position 1033, A replaced by T.
Protein change: p.Asn345Tyr; replaces asparagine 345 with tyrosine.
Molecular consequence: missense variant.
Genome position (GRCh38, 1-based): chr3:179,203,763, A>T. VCF-style: chr3-179203763-A-T. GRCh37 (hg19) VCF-style: chr3-178921551-A-T.
Other names: short protein forms N345Y.
Identifiers: ClinVar variation 4530370 (VCV004530370.1).

ClinVar aggregate classification (somatic clinical impact): Tier I - Strong (1 of 4 stars; one submission).

Conditions:
Rhabdomyosarcoma. Also called: Rhabdomyosarcoma (disease). Identifiers: Orphanet 780, MedGen C0035412, MeSH D012208, MONDO:0005212, HP:0002859.

Submission:

Institute for Genomic Medicine (IGM) Clinical Laboratory, Nationwide Children's Hospital
Classification: Tier I - Strong for Rhabdomyosarcoma. Assertion type: diagnostic. Clinical significance: supports diagnosis. Last evaluated: 2024-06-17. Review status: criteria provided, single submitter. Criteria: AMP/ASCO/CAP Guidelines, 2017. Collection method: clinical testing. Allele origin: somatic. Affected: yes.
Comment: Variant has Tier I (strong) clinical significance as a diagnostic inclusion criterion in rhabdomyosarcoma, based on the following evidence: 1) Documented in one or more cancer databases (e.g., St. Jude Pecan, COSMIC, CIViC, OncoKB). 2) Appears in one or more well-established professional guidelines (e.g., World Health Organization [WHO]; National Comprehensive Cancer Network [NCCN]) as providing diagnostic, prognostic, or therapeutic information. 3) Information in the literature supports potential biologic effect of variant (PMID: 20593314). 4) Diagnostic for a specific tumor type/classification based on well-powered studies with expert-level consensus (Evidence Level B; PMIDs: 24436047, 34166060, 24332040, 26138366, 25768946).

Literature cited by the submitters: PubMed 20593314; PubMed 24436047; PubMed 34166060; PubMed 24332040; PubMed 26138366; PubMed 25768946.